The following is an entry in ClinVar:

NM_201384.3(PLEC):c.4044+54T>C

Gene: PLEC (plectin; minus strand). Cytogenetic location: 8q24.3.
Variant type: single nucleotide variant.
Coding change: c.4044+54T>C on transcript NM_201384.3 (MANE Select); 54 bases into the intron after coding-DNA position 4044, T replaced by C.
Molecular consequence: intron variant.
Genome position (GRCh38, 1-based): chr8:143,926,730, A>G on the plus strand (T>C on the coding strand, the complement: PLEC is on the minus strand). VCF-style: chr8-143926730-A-G. GRCh37 (hg19) VCF-style: chr8-145000898-A-G.
Other names: c.4125+54T>C (NM_000445.5); c.4002+54T>C (NM_201378.4); c.3978+54T>C (NM_201379.3); c.4455+54T>C (NM_201380.4); c.3948+54T>C (NM_201381.3); c.4044+54T>C (NM_201382.4); c.4056+54T>C (NM_201383.3).
Identifiers: ClinVar variation 667889 (VCV000667889.2), dbSNP rs56401829, ClinGen allele CA12780798.

ClinVar aggregate classification (germline): Benign. Review status: criteria provided, multiple submitters, no conflicts (2 of 4 stars). 2 submissions from 2 submitters: Benign (2). Last evaluated 2018-06-19.

Allele frequency attached by ClinVar (database versions not stated): gnomAD 0.29919 and 0.30103; 1000 Genomes Project 30x 0.22923; 1000 Genomes Project 0.23083; TOPMed 0.28155.
gnomAD v4.1: 537,683 of 1,416,232 alleles (38%); highest among the groups gnomAD compares: Non-Finnish European, 42%; 108,510 homozygotes.

Submissions (2):

GeneDx
Classification: Benign. Last evaluated: 2018-06-19. Review status: criteria provided, single submitter. Criteria: GeneDx Variant Classification (06012015). Collection method: clinical testing. Allele origin: germline. Affected: yes.
Comment: This variant is considered likely benign or benign based on one or more of the following criteria: it is a conservative change, it occurs at a poorly conserved position in the protein, it is predicted to be benign by multiple in silico algorithms, and/or has population frequency not consistent with disease.

Breakthrough Genomics
Classification: Benign. Review status: criteria provided, single submitter. Criteria: ACMG Guidelines, 2015. Collection method: not provided. Allele origin: germline. Inheritance: Autosomal recessive inheritance. Affected: yes.